The following is an entry in ClinVar:

NM_001367624.2(ZNF469):c.10196C>T (p.Thr3399Met)

Gene: ZNF469 (zinc finger protein 469; plus strand). Cytogenetic location: 16q24.2.
Variant type: single nucleotide variant.
Coding change: c.10196C>T on transcript NM_001367624.2 (MANE Select); coding-DNA position 10196, C replaced by T.
Protein change: p.Thr3399Met; replaces threonine 3399 with methionine.
Molecular consequence: missense variant.
Genome position (GRCh38, 1-based): chr16:88,437,666, C>T. VCF-style: chr16-88437666-C-T. GRCh37 (hg19) VCF-style: chr16-88504074-C-T.
Other names: NM_001127464.1:c.10112C>T; p.Thr3399Met; NM_001127464.2:c.10112C>T; short protein forms T3399M.
Identifiers: ClinVar variation 1214345 (VCV001214345.13), dbSNP rs1009705513, ClinGen allele CA286386274.

ClinVar aggregate classification (germline): Uncertain significance. Review status: criteria provided, multiple submitters, no conflicts (2 of 4 stars). 6 submissions from 6 submitters: Uncertain significance (6). Last evaluated 2026-07-28.

Conditions:
ZNF469-related disorder. Also called: ZNF469-related condition.
Cardiovascular phenotype. Identifiers: MedGen CN230736.

Allele frequency attached by ClinVar (database versions not stated): gnomAD exomes 0.00002 and 0.00016; gnomAD 0.00003; TOPMed 0.00006.
gnomAD v4.1: 226 of 1,548,092 alleles (0.015%); highest among the groups gnomAD compares: Non-Finnish European, 0.019%; no homozygotes.

Submissions (6):

PreventionGenetics, part of Exact Sciences
Classification: Uncertain significance for ZNF469-related condition. Last evaluated: 2026-07-28. Review status: criteria provided, single submitter. Criteria: ACMG Guidelines, 2015. Collection method: clinical testing. Allele origin: germline.
Comment: The ZNF469 c.10112C>T variant is predicted to result in the amino acid substitution p.Thr3371Met. To our knowledge, this variant has not been reported in the literature. This variant is reported in 0.0059% of alleles in individuals of European (Non-Finnish) descent in gnomAD. At this time, the clinical significance of this variant is uncertain due to the absence of conclusive functional and genetic evidence.

Mayo Clinic Laboratories, Mayo Clinic
Classification: Uncertain significance. Last evaluated: 2025-03-19. Review status: criteria provided, single submitter. Criteria: ACMG Guidelines, 2015. Collection method: clinical testing. Allele origin: germline. Observed: 2 variant alleles.
Comment: BP4_moderate

Women's Health and Genetics/Laboratory Corporation of America, LabCorp
Classification: Uncertain significance. Last evaluated: 2024-11-19. Review status: criteria provided, single submitter. Criteria: LabCorp Variant Classification Summary - May 2015. Collection method: clinical testing. Allele origin: germline.
Comment: Variant summary: ZNF469 c.10196C>T (p.Thr3399Met) results in a non-conservative amino acid change in the encoded protein sequence. Two of four in-silico tools predict a benign effect of the variant on protein function. The variant allele was found at a frequency of 2.1e-05 in 144542 control chromosomes (gnomAD). The available data on variant occurrences in the general population are insufficient to allow any conclusion about variant significance. To our knowledge, no occurrence of c.10196C>T in individuals affected with Brittle cornea syndrome 1 and no experimental evidence demonstrating its impact on protein function have been reported. ClinVar contains an entry for this variant (Variation ID: 1214345). Based on the evidence outlined above, the variant was classified as uncertain significance.

Ambry Genetics
Classification: Uncertain significance for Cardiovascular phenotype. Last evaluated: 2023-02-15. Review status: criteria provided, single submitter. Criteria: Ambry Variant Classification Scheme 2023. Collection method: clinical testing. Allele origin: germline.

GeneDx
Classification: Uncertain significance. Last evaluated: 2021-11-09. Review status: criteria provided, single submitter. Criteria: GeneDx Variant Classification Process June 2021. Collection method: clinical testing. Allele origin: germline. Affected: yes.
Comment: Has not been previously published as pathogenic or benign to our knowledge; Not observed at significant frequency in large population cohorts (Lek et al., 2016); In silico analysis, which includes protein predictors and evolutionary conservation, supports that this variant does not alter protein structure/function

Labcorp Genetics (formerly Invitae), Labcorp
Classification: Uncertain significance. Last evaluated: 2021-09-17. Review status: criteria provided, single submitter. Criteria: Invitae Variant Classification Sherloc (09022015). Collection method: clinical testing. Allele origin: germline.
Comment: This sequence change replaces threonine with methionine at codon 3371 of the ZNF469 protein (p.Thr3371Met). The threonine residue is moderately conserved and there is a moderate physicochemical difference between threonine and methionine. The frequency data for this variant in the population databases is considered unreliable, as metrics indicate insufficient coverage at this position in the ExAC database. This variant has not been reported in the literature in individuals affected with ZNF469-related conditions. Algorithms developed to predict the effect of missense changes on protein structure and function output the following: SIFT: "Deleterious"; PolyPhen-2: "Benign"; Align-GVGD: "Class C0". The methionine amino acid residue is found in multiple mammalian species, which suggests that this missense change does not adversely affect protein function. In summary, the available evidence is currently insufficient to determine the role of this variant in disease. Therefore, it has been classified as a Variant of Uncertain Significance.